The following is an entry in ClinVar:

NM_001369598.1(ST7):c.1406-8G>A

Gene: ST7 (suppression of tumorigenicity 7; plus strand). Cytogenetic location: 7q31.2.
Variant type: single nucleotide variant.
Coding change: c.1406-8G>A on transcript NM_001369598.1 (MANE Select); 8 bases into the intron before coding-DNA position 1406, G replaced by A.
Molecular consequence: intron variant.
Genome position (GRCh38, 1-based): chr7:117,219,076, G>A. VCF-style: chr7-117219076-G-A. GRCh37 (hg19) VCF-style: chr7-116859130-G-A.
Other names: c.1187-8G>A (NM_001369607.1); c.1391-8G>A (NM_001369601.1); c.1337-8G>A (NM_018412.4, NM_001369604.1); c.1406-8G>A (NM_021908.3); c.1268-8G>A (NM_001369602.1); c.1199-8G>A (NM_001369603.1); c.1256-8G>A (NM_001369606.1); c.1277-8G>A (NM_001369599.1); and 1 more.
Identifiers: ClinVar variation 3057920 (VCV003057920.2), dbSNP rs144689726, ClinGen allele CA4449626.

ClinVar aggregate classification (germline): Likely benign (0 of 4 stars; one submission).

Conditions:
ST7-related disorder. Also called: ST7-related condition.

Allele frequency attached by ClinVar (database versions not stated): ExAC 0.00033; 1000 Genomes Project 30x 0.00094; 1000 Genomes Project 0.00100.
gnomAD v4.1: 199 of 1,603,652 alleles (0.012%); highest among the groups gnomAD compares: East Asian, 0.32%; no homozygotes.

Submission:

PreventionGenetics, part of Exact Sciences
Classification: Likely benign for ST7-related condition. Last evaluated: 2020-03-03. Review status: no assertion criteria provided. Collection method: clinical testing. Allele origin: germline.
Comment: This variant is classified as likely benign based on ACMG/AMP sequence variant interpretation guidelines (Richards et al. 2015 PMID: 25741868, with internal and published modifications).